The following is an entry in ClinVar:

ClinVar aggregate classification (germline): Uncertain significance. Review status: criteria provided, multiple submitters, no conflicts (2 of 4 stars). 4 submissions from 4 submitters: Uncertain significance (4). Last evaluated 2025-12-11.

Conditions:
Dyskeratosis congenita. Identifiers: Orphanet 1775, MedGen C0265965, MONDO:0015780.
Dyskeratosis congenita, autosomal dominant 2. Identifiers: MedGen C3151443, MONDO:0013521, OMIM 613989.
Idiopathic Pulmonary Fibrosis. Also called: Idiopathic fibrosing alveolitis, chronic form; idiopathic fibrosing alveolitis. Identifiers: Orphanet 2032, MedGen C1800706, MeSH D054990, MONDO:0800504.

Allele frequency attached by ClinVar (database versions not stated): TOPMed below 0.00001; gnomAD 0.00001; ExAC 0.00002; gnomAD exomes 0.00002 and 0.00003; ESP Exome Variant Server 0.00008.
gnomAD v4.1: 35 of 1,614,030 alleles (0.0022%); highest among the groups gnomAD compares: Non-Finnish European, 0.0026%; no homozygotes.

Submissions (4):

Labcorp Genetics (formerly Invitae), Labcorp
Classification: Uncertain significance for Dyskeratosis congenita, autosomal dominant 2; Idiopathic Pulmonary Fibrosis. Last evaluated: 2025-12-11. Review status: criteria provided, single submitter. Criteria: Invitae Variant Classification Sherloc (09022015). Collection method: clinical testing. Allele origin: germline.
Comment: This sequence change replaces arginine, which is basic and polar, with histidine, which is basic and polar, at codon 756 of the TERT protein (p.Arg756His). This variant is present in population databases (rs374206276, gnomAD 0.006%). This variant has not been reported in the literature in individuals affected with TERT-related conditions. ClinVar contains an entry for this variant (Variation ID: 640939). Invitae Evidence Modeling of protein sequence and biophysical properties (such as structural, functional, and spatial information, amino acid conservation, physicochemical variation, residue mobility, and thermodynamic stability) indicates that this missense variant is not expected to disrupt TERT protein function with a negative predictive value of 95%. In summary, the available evidence is currently insufficient to determine the role of this variant in disease. Therefore, it has been classified as a Variant of Uncertain Significance.

Ambry Genetics
Classification: Uncertain significance for Dyskeratosis congenita. Last evaluated: 2024-12-30. Review status: criteria provided, single submitter. Criteria: Ambry Variant Classification Scheme 2023. Collection method: clinical testing. Allele origin: germline.
Comment: The p.R756H variant (also known as c.2267G>A), located in coding exon 6 of the TERT gene, results from a G to A substitution at nucleotide position 2267. The arginine at codon 756 is replaced by histidine, an amino acid with highly similar properties. This amino acid position is not well conserved in available vertebrate species. In addition, this alteration is predicted to be tolerated by in silico analysis. Based on the available evidence, the clinical significance of this variant remains unclear.

Blueprint Genetics
Classification: Uncertain significance. Last evaluated: 2024-10-02. Review status: criteria provided, single submitter. Criteria: ACMG Guidelines, 2015. Collection method: clinical testing. Allele origin: germline.

Baylor Genetics
Classification: Uncertain significance for Dyskeratosis congenita, autosomal dominant 2. Last evaluated: 2023-11-30. Review status: criteria provided, single submitter. Criteria: ACMG Guidelines, 2015. Collection method: clinical testing. Allele origin: unknown.

NM_198253.3(TERT):c.2267G>A (p.Arg756His)

Gene: TERT (telomerase reverse transcriptase; minus strand). Cytogenetic location: 5p15.33.
Variant type: single nucleotide variant.
Coding change: c.2267G>A on transcript NM_198253.3 (MANE Select); coding-DNA position 2267, G replaced by A.
Protein change: p.Arg756His; replaces arginine 756 with histidine.
Molecular consequence: missense variant. On other transcripts: non-coding transcript variant (2).
Genome position (GRCh38, 1-based): chr5:1,278,660, C>T on the plus strand (G>A on the coding strand, the complement: TERT is on the minus strand). VCF-style: chr5-1278660-C-T. GRCh37 (hg19) VCF-style: chr5-1278775-C-T.
Other names: c.2267G>A, p.Arg756His (NM_001193376.3); short protein forms R756H.
Identifiers: ClinVar variation 640939 (VCV000640939.13), dbSNP rs374206276, ClinGen allele CA3184613.